The following is an entry in ClinVar:

NM_007078.3(LDB3):c.1238C>A (p.Ala413Glu)

Gene: LDB3 (LIM domain binding 3; plus strand). Cytogenetic location: 10q23.2.
Variant type: single nucleotide variant.
Coding change: c.1238C>A on transcript NM_007078.3 (MANE Select); coding-DNA position 1238, C replaced by A.
Protein change: p.Ala413Glu; replaces alanine 413 with glutamic acid.
Molecular consequence: missense variant.
Genome position (GRCh38, 1-based): chr10:86,716,333, C>A. VCF-style: chr10-86716333-C-A. GRCh37 (hg19) VCF-style: chr10-88476090-C-A.
Other names: c.908C>A, p.Ala303Glu (NM_001080114.2); c.1253C>A, p.Ala418Glu (NM_001171610.2); c.1049C>A, p.Ala350Glu (NM_001368064.1, NM_001368065.1); c.1097C>A, p.Ala366Glu (NM_001368066.1); short protein forms A350E, A366E, A418E, A413E, A303E.
Identifiers: ClinVar variation 4046677 (VCV004046677.1).
Genomic context (GRCh38, chr10:86,716,333, plus strand): 5'-GGGAAGAATGAATTCCTGACACACCTTTCTTTGGGTTTTTTTTGGCTTTTGCAGTGCCTG[C>A]ATCTACCTACAGCCCGTCCCCAGGGGCCAATTACAGTCCCACTCCCTACACCCCCTCCCC-3'
Protein context (NP_009009.1, residues 403-423): IRPSVYQPVP[Ala413Glu]STYSPSPGAN

ClinVar aggregate classification (germline): Uncertain significance (1 of 4 stars; one submission).

Conditions:
Cardiovascular phenotype. Identifiers: MedGen CN230736.

Submission:

Ambry Genetics
Classification: Uncertain significance for Cardiovascular phenotype. Last evaluated: 2025-03-23. Review status: criteria provided, single submitter. Criteria: Ambry Variant Classification Scheme 2023. Collection method: clinical testing. Allele origin: germline.
Comment: The p.A413E variant (also known as c.1238C>A), located in coding exon 9 of the LDB3 gene, results from a C to A substitution at nucleotide position 1238. The alanine at codon 413 is replaced by glutamic acid, an amino acid with dissimilar properties. This amino acid position is conserved. In addition, this alteration is predicted to be tolerated by in silico analysis. Based on the available evidence, the clinical significance of this variant remains unclear.